The following is an entry in ClinVar:

NM_000089.4(COL1A2):c.792+3A>T

Gene: COL1A2 (collagen type I alpha 2 chain; plus strand). Cytogenetic location: 7q21.3.
Variant type: single nucleotide variant.
Coding change: c.792+3A>T on transcript NM_000089.4 (MANE Select); 3 bases into the intron after coding-DNA position 792, A replaced by T.
Molecular consequence: intron variant.
Genome position (GRCh38, 1-based): chr7:94,408,826, A>T. VCF-style: chr7-94408826-A-T. GRCh37 (hg19) VCF-style: chr7-94038138-A-T.
Identifiers: ClinVar variation 4850913 (VCV004850913.1).

ClinVar aggregate classification (germline): Pathogenic (1 of 4 stars; one submission).

Conditions:
Osteogenesis imperfecta type I (OI1). Also called: OI, TYPE I; OSTEOGENESIS IMPERFECTA TARDA; OSTEOGENESIS IMPERFECTA WITH BLUE SCLERAE; Osteogenesis imperfecta type 1; Lobstein's Disease; Lobstein disease. Identifiers: Orphanet 216796, Orphanet 666, MedGen C0023931, MONDO:0008146, OMIM 166200. Disease mechanism: loss of function.

Submission:

Clinical Genetics and Genomics, Karolinska University Hospital
Classification: Pathogenic for Osteogenesis imperfecta type I. Last evaluated: 2026-04-07. Review status: criteria provided, single submitter. Criteria: ACMG Guidelines, 2015. Collection method: clinical testing. Allele origin: paternal. Affected: yes.
Comment: This variant is not present in population databases (gnomAD no frequency). The variant is predicted to affect splicing, and RNA/cDNA analysis revealed that it led to a deletion of 19 amino acids, r.Pro248_Gly265del.